The following is an entry in ClinVar:

NM_001042603.3(KDM5A):c.333_336del (p.Arg112fs)

Gene: KDM5A (lysine demethylase 5A; minus strand). Cytogenetic location: 12p13.33.
Variant type: Microsatellite.
Coding change: c.333_336del on transcript NM_001042603.3 (MANE Select); coding-DNA positions 333 to 336, 4 bases deleted (GAGA; older notation c.333_336delGAGA).
Protein change: p.Arg112fs; shifts the reading frame from arginine 112.
Molecular consequence: frameshift variant.
Genome position (GRCh38, 1-based): chr12:384,061-384,064, TCTC deleted on the plus strand (GAGA on the coding strand, the reverse complement: KDM5A is on the minus strand); deleting any 4 consecutive bases within chr12:384,061-384,067 gives the same sequence; the c. name uses the placement nearest the transcript's 3' end. VCF-style (leftmost placement, unchanged base first): chr12-384060-TTCTC-T. GRCh37 (hg19) VCF-style: chr12-493226-TTCTC-T.
Other names: short protein forms R112fs.
Identifiers: ClinVar variation 3765670 (VCV003765670.1).

ClinVar aggregate classification (germline): Uncertain significance (1 of 4 stars; one submission).

Submission:

Greenwood Genetic Center Diagnostic Laboratories, Greenwood Genetic Center
Classification: Uncertain significance. Last evaluated: 2024-09-25. Review status: criteria provided, single submitter. Criteria: ACMG Guidelines, 2015. Collection method: clinical testing. Allele origin: germline. Affected: yes.
Comment: PM2